The following is an entry in ClinVar:

ClinVar aggregate classification (germline): Uncertain significance. Review status: criteria provided, multiple submitters, no conflicts (2 of 4 stars). 5 submissions from 5 submitters: Uncertain significance (5). Last evaluated 2024-10-16.

Conditions:
Classic or attenuated familial adenomatous polyposis. Identifiers: MedGen CN372698, MONDO:0021057.
Hereditary cancer-predisposing syndrome. Also called: Hereditary neoplastic syndrome; Tumor predisposition; Neoplastic Syndromes, Hereditary; Hereditary Cancer Syndrome. Identifiers: Orphanet 140162, MedGen C0027672, MeSH D009386, MONDO:0015356.
Familial adenomatous polyposis 1 (FAP1). Also called: FAMILIAL ADENOMATOUS POLYPOSIS 1, ATTENUATED; POLYPOSIS, ADENOMATOUS INTESTINAL. Identifiers: MedGen C2713442, MONDO:0021056, OMIM 175100. Disease mechanism: loss of function.

Allele frequency attached by ClinVar (database versions not stated): gnomAD exomes below 0.00001 and 0.00001; gnomAD 0.00001; TOPMed 0.00002.
gnomAD v4.1: 7 of 1,613,926 alleles (0.00043%); highest among the groups gnomAD compares: African/African-American, 0.008%; no homozygotes.

Submissions (5):

Labcorp Genetics (formerly Invitae), Labcorp
Classification: Uncertain significance for Familial adenomatous polyposis 1. Last evaluated: 2024-10-16. Review status: criteria provided, single submitter. Criteria: Invitae Variant Classification Sherloc (09022015). Collection method: clinical testing. Allele origin: germline.
Comment: This sequence change replaces threonine, which is neutral and polar, with proline, which is neutral and non-polar, at codon 1898 of the APC protein (p.Thr1898Pro). This variant is present in population databases (no rsID available, gnomAD 0.007%). This variant has not been reported in the literature in individuals affected with APC-related conditions. ClinVar contains an entry for this variant (Variation ID: 418013). Invitae Evidence Modeling of protein sequence and biophysical properties (such as structural, functional, and spatial information, amino acid conservation, physicochemical variation, residue mobility, and thermodynamic stability) indicates that this missense variant is not expected to disrupt APC protein function with a negative predictive value of 95%. In summary, the available evidence is currently insufficient to determine the role of this variant in disease. Therefore, it has been classified as a Variant of Uncertain Significance.

Color Diagnostics, LLC DBA Color Health
Classification: Uncertain significance for Hereditary cancer-predisposing syndrome. Last evaluated: 2024-03-06. Review status: criteria provided, single submitter. Criteria: ACMG Guidelines, 2015. Collection method: clinical testing. Allele origin: germline.
Comment: This missense variant replaces threonine with proline at codon 1898 of the APC protein. Computational prediction suggests that this variant may not impact protein structure and function (internally defined REVEL score threshold <= 0.5, PMID: 27666373). To our knowledge, functional studies have not been reported for this variant. This variant has not been reported in individuals affected with APC-related disorders in the literature. This variant has been identified in 2/250918 chromosomes in the general population by the Genome Aggregation Database (gnomAD). The available evidence is insufficient to determine the role of this variant in disease conclusively. Therefore, this variant is classified as a Variant of Uncertain Significance.

GeneDx
Classification: Uncertain significance. Last evaluated: 2023-06-16. Review status: criteria provided, single submitter. Criteria: GeneDx Variant Classification Process June 2021. Collection method: clinical testing. Allele origin: germline. Affected: yes.
Comment: Not observed at significant frequency in large population cohorts (gnomAD); In silico analysis supports that this missense variant does not alter protein structure/function; Has not been previously published as pathogenic or benign to our knowledge; This variant is associated with the following publications: (PMID: 18199528)

All of Us Research Program, National Institutes of Health
Classification: Uncertain significance for Classic or attenuated familial adenomatous polyposis. Last evaluated: 2023-05-04. Review status: criteria provided, single submitter. Criteria: ACMG Guidelines, 2015. Collection method: clinical testing. Allele origin: germline. Inheritance: Autosomal dominant inheritance. Observed: 1 variant allele, 1 heterozygote.
Comment: This missense variant replaces threonine with proline at codon 1898 of the APC protein. Computational prediction suggests that this variant may not impact protein structure and function (internally defined REVEL score threshold <= 0.5, PMID: 27666373). To our knowledge, functional studies have not been reported for this variant. This variant has not been reported in individuals affected with APC-related disorders in the literature. This variant has been identified in 2/250918 chromosomes in the general population by the Genome Aggregation Database (gnomAD). The available evidence is insufficient to determine the role of this variant in disease conclusively. Therefore, this variant is classified as a Variant of Uncertain Significance.

This study involves interpretation of variants in research participants for the purpose of population health screening. Participant phenotype was not available at the time of variant classification. Additional details can be found in publication PMID: 35346344, PMCID: PMC8962531

Ambry Genetics
Classification: Uncertain significance for Hereditary cancer-predisposing syndrome. Last evaluated: 2023-03-30. Review status: criteria provided, single submitter. Criteria: Ambry Variant Classification Scheme 2023. Collection method: clinical testing. Allele origin: germline.
Comment: The p.T1898P variant (also known as c.5692A>C), located in coding exon 15 of the APC gene, results from an A to C substitution at nucleotide position 5692. The threonine at codon 1898 is replaced by proline, an amino acid with highly similar properties. This amino acid position is not well conserved in available vertebrate species. In addition, in silico predictors for this gene do not accurately predict pathogenicity. Since supporting evidence is limited at this time, the clinical significance of this alteration remains unclear.

NM_000038.6(APC):c.5692A>C (p.Thr1898Pro)

Gene: APC (APC regulator of Wnt signaling pathway; plus strand). Cytogenetic location: 5q22.2.
Variant type: single nucleotide variant.
Coding change: c.5692A>C on transcript NM_000038.6 (MANE Select); coding-DNA position 5692, A replaced by C.
Protein change: p.Thr1898Pro; replaces threonine 1898 with proline.
Molecular consequence: missense variant.
Genome position (GRCh38, 1-based): chr5:112,841,286, A>C. VCF-style: chr5-112841286-A-C. GRCh37 (hg19) VCF-style: chr5-112176983-A-C.
Other names: c.5692A>C, p.Thr1898Pro (NM_001127510.3, NM_001354895.2); c.5638A>C, p.Thr1880Pro (NM_001127511.3); c.5746A>C, p.Thr1916Pro (NM_001354896.2); c.5722A>C, p.Thr1908Pro (NM_001354897.2); c.5617A>C, p.Thr1873Pro (NM_001354898.2); c.5608A>C, p.Thr1870Pro (NM_001354899.2); c.5569A>C, p.Thr1857Pro (NM_001354900.2); c.5515A>C, p.Thr1839Pro (NM_001354901.2); and 5 more; short protein forms T1880P, T1898P, T1772P, T1908P, T1807P, T1839P, T1615P, T1738P.
Identifiers: ClinVar variation 418013 (VCV000418013.24), dbSNP rs786204149, ClinGen allele CA16033793.